The following is an entry in ClinVar:

ClinVar aggregate classification (germline): Uncertain significance (1 of 4 stars; one submission).

Conditions:
Cardiovascular phenotype. Identifiers: MedGen CN230736.

gnomAD v4.1: 5 of 1,614,118 alleles (0.00031%); highest among the groups gnomAD compares: Middle Eastern, 0.016%; no homozygotes.

Submission:

Ambry Genetics
Classification: Uncertain significance for Cardiovascular phenotype. Last evaluated: 2025-09-18. Review status: criteria provided, single submitter. Criteria: Ambry Variant Classification Scheme 2023. Collection method: clinical testing. Allele origin: germline.
Comment: The p.G247D variant (also known as c.740G>A), located in coding exon 6 of the GPD1L gene, results from a G to A substitution at nucleotide position 740. The glycine at codon 247 is replaced by aspartic acid, an amino acid with similar properties. This amino acid position is conserved. In addition, this alteration is predicted to be tolerated by in silico analysis. Since supporting evidence is limited at this time, the clinical significance of this alteration remains unclear.

NM_015141.4(GPD1L):c.740G>A (p.Gly247Asp)

Gene: GPD1L (glycerol-3-phosphate dehydrogenase 1 like; plus strand). Cytogenetic location: 3p22.3.
Variant type: single nucleotide variant.
Coding change: c.740G>A on transcript NM_015141.4 (MANE Select); coding-DNA position 740, G replaced by A.
Protein change: p.Gly247Asp; replaces glycine 247 with aspartic acid.
Molecular consequence: missense variant.
Genome position (GRCh38, 1-based): chr3:32,158,997, G>A. VCF-style: chr3-32158997-G-A. GRCh37 (hg19) VCF-style: chr3-32200489-G-A.
Other names: short protein forms G247D.
Identifiers: ClinVar variation 2564415 (VCV002564415.3), dbSNP rs1158767442, ClinGen allele CA351969284.